The following is an entry in ClinVar:

ClinVar aggregate classification (germline): Uncertain significance. Review status: criteria provided, multiple submitters, no conflicts (2 of 4 stars). 2 submissions from 2 submitters: Uncertain significance (2). Last evaluated 2025-11-03.

Conditions:
Pulmonary fibrosis and/or bone marrow failure, Telomere-related, 3. Also called: PULMONARY FIBROSIS AND/OR BONE MARROW FAILURE SYNDROME, TELOMERE-RELATED, 3. Identifiers: Orphanet 2032, MedGen C4225346, MONDO:0014613, OMIM 616373.
Dyskeratosis congenita, autosomal recessive 5 (DKCB5). Identifiers: MedGen C3554656, MONDO:0014076, OMIM 615190.

Allele frequency attached by ClinVar (database versions not stated): gnomAD 0.00001; gnomAD exomes 0.00002; ExAC 0.00003.
gnomAD v4.1: 34 of 1,612,548 alleles (0.0021%); highest among the groups gnomAD compares: South Asian, 0.018%; no homozygotes.

Submissions (2):

Labcorp Genetics (formerly Invitae), Labcorp
Classification: Uncertain significance for Dyskeratosis congenita, autosomal recessive 5; Pulmonary fibrosis and/or bone marrow failure, Telomere-related, 3. Last evaluated: 2025-11-03. Review status: criteria provided, single submitter. Criteria: Invitae Variant Classification Sherloc (09022015). Collection method: clinical testing. Allele origin: germline.
Comment: This sequence change replaces alanine, which is neutral and non-polar, with valine, which is neutral and non-polar, at codon 1082 of the RTEL1 protein (p.Ala1082Val). This variant is present in population databases (rs778379831, gnomAD 0.02%). This variant has not been reported in the literature in individuals affected with RTEL1-related conditions. This variant is also known as c.3317C>T (p.Ala1106Val). ClinVar contains an entry for this variant (Variation ID: 2079212). An algorithm developed to predict the effect of missense changes on protein structure and function (PolyPhen-2) suggests that this variant is likely to be disruptive. In summary, the available evidence is currently insufficient to determine the role of this variant in disease. Therefore, it has been classified as a Variant of Uncertain Significance.

Blueprint Genetics
Classification: Uncertain significance. Last evaluated: 2024-11-25. Review status: criteria provided, single submitter. Criteria: ACMG Guidelines, 2015. Collection method: clinical testing. Allele origin: germline.

NM_001283009.2(RTEL1):c.3245C>T (p.Ala1082Val)

Genes: RTEL1 (regulator of telomere elongation helicase 1; plus strand), RTEL1-TNFRSF6B (RTEL1-TNFRSF6B readthrough (NMD candidate); plus strand). Cytogenetic location: 20q13.33.
Variant type: single nucleotide variant.
Coding change: c.3245C>T on transcript NM_001283009.2 (MANE Select); coding-DNA position 3245, C replaced by T.
Protein change: p.Ala1082Val; replaces alanine 1082 with valine.
Molecular consequence: missense variant. On other transcripts: non-coding transcript variant (1).
Genome position (GRCh38, 1-based): chr20:63,694,876, C>T. VCF-style: chr20-63694876-C-T. GRCh37 (hg19) VCF-style: chr20-62326229-C-T.
Other names: c.2576C>T, p.Ala859Val (NM_001283010.1); c.3245C>T, p.Ala1082Val (NM_016434.4); c.3317C>T, p.Ala1106Val (NM_032957.5); short protein forms A1082V, A1106V, A859V.
Identifiers: ClinVar variation 2079212 (VCV002079212.4), dbSNP rs778379831, ClinGen allele CA9965919.
Genomic context (GRCh38, chr20:63,694,876, plus strand): 5'-CCTACCTGGCTGATGCCCGCAGGGCCCTGGGGTCCGCGGGCTGTAGCCAACTCTTGGCAG[C>T]GCTGACAGCCTATAAGCAAGACGACGACCTCGACAAGGTGCTGGCTGTGTTGGCCGCCCT-3'
Protein context (NP_001269938.1, residues 1072-1092): GSAGCSQLLA[Ala1082Val]LTAYKQDDDL